The following is an entry in ClinVar:

ClinVar aggregate classification (germline): Likely benign (0 of 4 stars; one submission).

Conditions:
EIF4G1-related disorder. Also called: EIF4G1-related condition.

Allele frequency attached by ClinVar (database versions not stated): gnomAD 0.00002; TOPMed 0.00003; ExAC 0.00006; 1000 Genomes Project 30x 0.00016; 1000 Genomes Project 0.00020; ESP Exome Variant Server 0.00023.
gnomAD v4.1: 48 of 1,612,526 alleles (0.003%); highest among the groups gnomAD compares: Non-Finnish European, 0.0038%; no homozygotes.

Submission:

PreventionGenetics, part of Exact Sciences
Classification: Likely benign for EIF4G1-related condition. Last evaluated: 2023-06-08. Review status: no assertion criteria provided. Collection method: clinical testing. Allele origin: germline.
Comment: This variant is classified as likely benign based on ACMG/AMP sequence variant interpretation guidelines (Richards et al. 2015 PMID: 25741868, with internal and published modifications).

NM_198241.3(EIF4G1):c.3429-4C>T

Gene: EIF4G1 (eukaryotic translation initiation factor 4 gamma 1; plus strand). Cytogenetic location: 3q27.1.
Variant type: single nucleotide variant.
Coding change: c.3429-4C>T on transcript NM_198241.3 (MANE Select); 4 bases into the intron before coding-DNA position 3429, C replaced by T.
Molecular consequence: intron variant.
Genome position (GRCh38, 1-based): chr3:184,327,212, C>T. VCF-style: chr3-184327212-C-T. GRCh37 (hg19) VCF-style: chr3-184045000-C-T.
Other names: c.3309-4C>T (NM_001291157.2); c.3450-4C>T (NM_001194946.2, NM_001194947.2); c.3168-4C>T (NM_198244.3); c.2937-4C>T (NM_198242.3); c.3432-4C>T (NM_182917.4); c.2844-4C>T (NM_004953.5).
Identifiers: ClinVar variation 3036452 (VCV003036452.2), dbSNP rs192000000, ClinGen allele CA2732808.